The following is an entry in ClinVar:

NM_015702.3(MMADHC):c.483del (p.Phe161fs)

Gene: MMADHC (metabolism of cobalamin associated D; minus strand). Cytogenetic location: 2q23.2.
Variant type: Deletion.
Coding change: c.483del on transcript NM_015702.3 (MANE Select); coding-DNA position 483, one base deleted (T; older notation c.483delT).
Protein change: p.Phe161fs; shifts the reading frame from phenylalanine 161.
Molecular consequence: frameshift variant.
Genome position (GRCh38, 1-based): chr2:149,575,837, A deleted on the plus strand (T on the coding strand, the reverse complement: MMADHC is on the minus strand); the first of 4 consecutive A bases (chr2:149,575,837-149,575,840); deleting any one gives the same sequence. VCF-style (leftmost placement, unchanged base first): chr2-149575836-CA-C. GRCh37 (hg19) VCF-style: chr2-150432350-CA-C.
Other names: short protein forms F161fs.
Identifiers: ClinVar variation 4815883 (VCV004815883.1).

ClinVar aggregate classification (germline): Likely pathogenic (1 of 4 stars; one submission).

Conditions:
Methylmalonic aciduria and homocystinuria type cblD (MAHCD). Also called: METHYLMALONIC ACIDEMIA, cblH TYPE; Methylmalonic aciduria with homocystinuria cblD type. Identifiers: Orphanet 622, Orphanet 79283, MedGen C1848552, MONDO:0010185, OMIM 277410.

Submission:

Natera, Inc.
Classification: Likely pathogenic for Methylmalonic aciduria with homocystinuria cblD type. Last evaluated: 2024-11-19. Review status: criteria provided, single submitter. Criteria: Natera Variant Classification Schema (03/2026). Collection method: clinical testing. Allele origin: germline.
Comment: The c.483del variant in MMADHC is a frameshift variant predicted to shift the reading frame beginning at codon 161 and leads to a stop codon 8 codons downstream. This variant is expected to result in nonsense mediated decay, truncation, or a dysfunctional protein product. This variant is rare in the general population with a frequency below the threshold expected for the associated phenotype(s). Given the available evidence, this variant is classified as Likely Pathogenic.